The following is an entry in ClinVar:

NM_006218.4(PIK3CA):c.1079T>A (p.Ile360Asn)

Gene: PIK3CA (phosphatidylinositol-4,5-bisphosphate 3-kinase catalytic subunit alpha; plus strand). Cytogenetic location: 3q26.32.
Variant type: single nucleotide variant.
Coding change: c.1079T>A on transcript NM_006218.4 (MANE Select); coding-DNA position 1079, T replaced by A.
Protein change: p.Ile360Asn; replaces isoleucine 360 with asparagine.
Molecular consequence: missense variant.
Genome position (GRCh38, 1-based): chr3:179,204,522, T>A. VCF-style: chr3-179204522-T-A. GRCh37 (hg19) VCF-style: chr3-178922310-T-A.
Other names: short protein forms I360N.
Identifiers: ClinVar variation 1785831 (VCV001785831.2), dbSNP rs2108394321, ClinGen allele CA355282754.
Genomic context (GRCh38, chr3:179,204,522, plus strand): 5'-TTGAGTGTATACATTAGTATATACCTACTTTTTTCTTTTAGATCTATGTTCGAACAGGTA[T>A]CTACCATGGAGGAGAACCCTTATGTGACAATGTGAACACTCAAAGAGTACCTTGTTCCAA-3'
Protein context (NP_006209.2, residues 350-370): DIDKIYVRTG[Ile360Asn]YHGGEPLCDN

ClinVar aggregate classification (germline): Uncertain significance (1 of 4 stars; one submission).

Conditions:
Inborn genetic diseases. Identifiers: MedGen C0950123, MeSH D030342.

Submission:

Ambry Genetics
Classification: Uncertain significance for Inborn genetic diseases. Last evaluated: 2021-10-13. Review status: criteria provided, single submitter. Criteria: Ambry Variant Classification Scheme 2023. Collection method: clinical testing. Allele origin: germline.
Comment: The p.I360N variant (also known as c.1079T>A), located in coding exon 5 of the PIK3CA gene, results from a T to A substitution at nucleotide position 1079. The isoleucine at codon 360 is replaced by asparagine, an amino acid with dissimilar properties. This amino acid position is conserved. In addition, this alteration is predicted to be deleterious by in silico analysis. Since supporting evidence is limited at this time, the clinical significance of this alteration remains unclear.